The following is an entry in ClinVar:

ClinVar aggregate classification (germline): Uncertain significance (1 of 4 stars; one submission).

Conditions:
Severe myoclonic epilepsy in infancy (DRVT). Also called: Dravet syndrome; Epileptic encephalopathy, early infantile, 6 (Dravet syndrome); SEVERE MYOCLONIC EPILEPSY OF INFANCY; DEVELOPMENTAL AND EPILEPTIC ENCEPHALOPATHY 6A; Severe Myoclonic Epilepsy in Infancy (SMEI). Identifiers: Orphanet 33069, MedGen C0751122, MONDO:0100135, OMIM 607208.

Allele frequency attached by ClinVar (database versions not stated): TOPMed below 0.00001.

Submission:

Labcorp Genetics (formerly Invitae), Labcorp
Classification: Uncertain significance for Severe myoclonic epilepsy in infancy. Last evaluated: 2022-03-27. Review status: criteria provided, single submitter. Criteria: Invitae Variant Classification Sherloc (09022015). Collection method: clinical testing. Allele origin: germline.
Comment: In summary, the available evidence is currently insufficient to determine the role of this variant in disease. Therefore, it has been classified as a Variant of Uncertain Significance. This sequence change replaces alanine, which is neutral and non-polar, with valine, which is neutral and non-polar, at codon 234 of the SNX27 protein (p.Ala234Val). This variant is not present in population databases (gnomAD no frequency). This variant has not been reported in the literature in individuals affected with SNX27-related conditions. Algorithms developed to predict the effect of missense changes on protein structure and function (SIFT, PolyPhen-2, Align-GVGD) all suggest that this variant is likely to be disruptive.

NM_001330723.2(SNX27):c.701C>T (p.Ala234Val)

Gene: SNX27 (sorting nexin 27; plus strand). Cytogenetic location: 1q21.3.
Variant type: single nucleotide variant.
Coding change: c.701C>T on transcript NM_001330723.2 (MANE Select); coding-DNA position 701, C replaced by T.
Protein change: p.Ala234Val; replaces alanine 234 with valine.
Molecular consequence: missense variant.
Genome position (GRCh38, 1-based): chr1:151,658,392, C>T. VCF-style: chr1-151658392-C-T. GRCh37 (hg19) VCF-style: chr1-151630868-C-T.
Other names: c.701C>T, p.Ala234Val (NM_030918.6); short protein forms A234V.
Identifiers: ClinVar variation 2061676 (VCV002061676.3), dbSNP rs1669794325, ClinGen allele CA341959222.